The following is an entry in ClinVar:

ClinVar aggregate classification (germline): Uncertain significance. Review status: criteria provided, multiple submitters, no conflicts (2 of 4 stars). 2 submissions from 2 submitters: Uncertain significance (2). Last evaluated 2024-08-28.

gnomAD v4.1: 26 of 1,612,992 alleles (0.0016%); highest among the groups gnomAD compares: South Asian, 0.0033%; no homozygotes.

Submissions (2):

Women's Health and Genetics/Laboratory Corporation of America, LabCorp
Classification: Uncertain significance. Last evaluated: 2024-08-28. Review status: criteria provided, single submitter. Criteria: LabCorp Variant Classification Summary - May 2015. Collection method: clinical testing. Allele origin: germline.
Comment: Variant summary: PRICKLE1 c.820G>A (p.Ala274Thr) results in a non-conservative amino acid change located in the Zinc finger, LIM-type domain (IPR001781) of the encoded protein sequence. Five of five in-silico tools predict a damaging effect of the variant on protein function. The variant allele was found at a frequency of 8.1e-06 in 248202 control chromosomes. c.820G>A has been reported in the literature in at least one homozygous individual affected with Epilepsy, progressive myoclonic, 1B (Mastrangelo_2018). These data indicate that the variant may be associated with disease. To our knowledge, no experimental evidence demonstrating an impact on protein function has been reported. The following publication has been ascertained in the context of this evaluation (PMID: 30345727). No submitters have cited clinical-significance assessments for this variant to ClinVar. Based on the evidence outlined above, the variant was classified as VUS-possibly pathogenic.

Blueprint Genetics
Classification: Uncertain significance. Last evaluated: 2022-09-07. Review status: criteria provided, single submitter. Criteria: ACMG Guidelines, 2015. Collection method: clinical testing. Allele origin: germline.

Literature cited by the submitters: PubMed 30345727 (cited by Women's Health and Genetics/Laboratory Corporation of America, LabCorp).

NM_153026.3(PRICKLE1):c.820G>A (p.Ala274Thr)

Genes: PRICKLE1 (prickle planar cell polarity protein 1; minus strand), LOC126861509 (BRD4-independent group 4 enhancer GRCh37_chr12:42858567-42859766; plus strand). Cytogenetic location: 12q12.
Variant type: single nucleotide variant.
Coding change: c.820G>A on transcript NM_153026.3 (MANE Select); coding-DNA position 820, G replaced by A.
Protein change: p.Ala274Thr; replaces alanine 274 with threonine.
Molecular consequence: missense variant.
Genome position (GRCh38, 1-based): chr12:42,465,214, C>T on the plus strand (G>A on the coding strand, the complement: PRICKLE1 is on the minus strand). VCF-style: chr12-42465214-C-T. GRCh37 (hg19) VCF-style: chr12-42859016-C-T.
Other names: c.820G>A, p.Ala274Thr (NM_001144881.2, NM_001144882.2, NM_001144883.2); short protein forms A274T.
Identifiers: ClinVar variation 3366480 (VCV003366480.2).
Genomic context (GRCh38, chr12:42,465,214, plus strand): 5'-GGAAGGGACATCCCAACAAAGAGGCTTTACACTGGGCACAAGAAAAGCAGGCTTCCGTGG[C>T]GTGCCAGTGCTGCCCGTCATAGGTCATCTGTGCATGGTCCACACCTGTTTTGAAAAGGAT-3'
Protein context (NP_694571.2, residues 264-284): QMTYDGQHWH[Ala274Thr]TEACFSCAQC